The following is an entry in ClinVar:

ClinVar aggregate classification (germline): Uncertain significance. Review status: criteria provided, multiple submitters, no conflicts (2 of 4 stars). 4 submissions from 4 submitters: Uncertain significance (4). Last evaluated 2024-12-02.

Conditions:
Inborn genetic diseases. Identifiers: MedGen C0950123, MeSH D030342.
Acrocallosal syndrome (ACLS). Also called: HALLUX DUPLICATION, POSTAXIAL POLYDACTYLY, AND ABSENCE OF CORPUS CALLOSUM; Schinzel syndrome 1; Absence of corpus callosum with unusual facial appearance, mental deficiency, duplication of the halluces and polydactyly. Identifiers: Orphanet 36, MedGen C0796147, MONDO:0008708, OMIM 200990.

Allele frequency attached by ClinVar (database versions not stated): ExAC 0.00001; gnomAD exomes 0.00004 and 0.00007; TOPMed 0.00004; gnomAD 0.00006; ESP Exome Variant Server 0.00008; 1000 Genomes Project 30x 0.00016; 1000 Genomes Project 0.00020.
gnomAD v4.1: 64 of 1,606,966 alleles (0.004%); highest among the groups gnomAD compares: Middle Eastern, 0.02%; no homozygotes.

Submissions (4):

Labcorp Genetics (formerly Invitae), Labcorp
Classification: Uncertain significance for Acrocallosal syndrome. Last evaluated: 2024-12-02. Review status: criteria provided, single submitter. Criteria: Invitae Variant Classification Sherloc (09022015). Collection method: clinical testing. Allele origin: germline.
Comment: This sequence change replaces arginine, which is basic and polar, with histidine, which is basic and polar, at codon 862 of the KIF7 protein (p.Arg862His). This variant is present in population databases (rs202057334, gnomAD 0.02%). This variant has not been reported in the literature in individuals affected with KIF7-related conditions. ClinVar contains an entry for this variant (Variation ID: 286294). Invitae Evidence Modeling of protein sequence and biophysical properties (such as structural, functional, and spatial information, amino acid conservation, physicochemical variation, residue mobility, and thermodynamic stability) indicates that this missense variant is not expected to disrupt KIF7 protein function with a negative predictive value of 80%. In summary, the available evidence is currently insufficient to determine the role of this variant in disease. Therefore, it has been classified as a Variant of Uncertain Significance.

Ambry Genetics
Classification: Uncertain significance for Inborn genetic diseases. Last evaluated: 2024-10-16. Review status: criteria provided, single submitter. Criteria: Ambry Variant Classification Scheme 2023. Collection method: clinical testing. Allele origin: germline.

Illumina Laboratory Services, Illumina
Classification: Uncertain significance for Acrocallosal syndrome. Last evaluated: 2018-01-13. Review status: criteria provided, single submitter. Criteria: ICSL Variant Classification Criteria 13 December 2019. Collection method: clinical testing. Allele origin: germline.

Eurofins Ntd Llc (ga)
Classification: Uncertain significance. Last evaluated: 2016-03-02. Review status: criteria provided, single submitter. Criteria: EGL Classification Definitions 2015. Collection method: clinical testing. Allele origin: germline. Observed: 1 variant allele, 1 heterozygote.

NM_198525.3(KIF7):c.2585G>A (p.Arg862His)

Gene: KIF7 (kinesin family member 7; minus strand). Cytogenetic location: 15q26.1.
Variant type: single nucleotide variant.
Coding change: c.2585G>A on transcript NM_198525.3 (MANE Select); coding-DNA position 2585, G replaced by A.
Protein change: p.Arg862His; replaces arginine 862 with histidine.
Molecular consequence: missense variant.
Genome position (GRCh38, 1-based): chr15:89,633,693, C>T on the plus strand (G>A on the coding strand, the complement: KIF7 is on the minus strand). VCF-style: chr15-89633693-C-T. GRCh37 (hg19) VCF-style: chr15-90176924-C-T.
Other names: short protein forms R862H.
Identifiers: ClinVar variation 286294 (VCV000286294.14), dbSNP rs202057334, ClinGen allele CA7728091.